The following is an entry in ClinVar:

NM_014363.6(SACS):c.1455G>A (p.Trp485Ter)

Gene: SACS (sacsin molecular chaperone; minus strand). Cytogenetic location: 13q12.12.
Variant type: single nucleotide variant.
Coding change: c.1455G>A on transcript NM_014363.6 (MANE Select); coding-DNA position 1455, G replaced by A.
Protein change: p.Trp485Ter; replaces tryptophan 485 with a stop codon.
Molecular consequence: nonsense.
Genome position (GRCh38, 1-based): chr13:23,355,157, C>T on the plus strand (G>A on the coding strand, the complement: SACS is on the minus strand). VCF-style: chr13-23355157-C-T. GRCh37 (hg19) VCF-style: chr13-23929296-C-T.
Other names: c.1014G>A, p.Trp338Ter (NM_001278055.2); short protein forms W338*, W485*.
Identifiers: ClinVar variation 1725412 (VCV001725412.2), dbSNP rs2542396639, ClinGen allele CA387548349.

ClinVar aggregate classification (germline): Likely pathogenic (1 of 4 stars; one submission).

Conditions:
Charlevoix-Saguenay spastic ataxia (SACS). Also called: SPASTIC ATAXIA 6, AUTOSOMAL RECESSIVE; AUTOSOMAL RECESSIVE SPASTIC ATAXIA OF CHARLEVOIX-SAGUENAY; Spastic ataxia of Charlevoix-Saguenay. Identifiers: Orphanet 98, MedGen C1849140, MONDO:0010041, OMIM 270550.

Submission:

Myriad Genetics, Inc.
Classification: Likely pathogenic for Charlevoix-Saguenay spastic ataxia. Last evaluated: 2022-03-20. Review status: criteria provided, single submitter. Criteria: Myriad Women's Health Autosomal Recessive and X-Linked Classification Criteria (2021). Collection method: clinical testing. Allele origin: unknown.
Comment: NM_014363.4(SACS):c.1455G>A(W485*) is expected to be pathogenic in the context of autosomal recessive spastic ataxia of Charlevoix-Saguenay. This variant is predicted to lead to an abnormal or absent protein product due to the creation of a premature termination codon in SACS, a gene where loss-of-function variants are known to be pathogenic. Please note: this variant was assessed in the context of healthy population screening.